The following is an entry in ClinVar:

NM_000091.5(COL4A3):c.3302G>A (p.Gly1101Glu)

Genes: COL4A3 (collagen type IV alpha 3 chain; plus strand), MFF-DT (MFF divergent transcript; minus strand). Cytogenetic location: 2q36.3.
Variant type: single nucleotide variant.
Coding change: c.3302G>A on transcript NM_000091.5 (MANE Select); coding-DNA position 3302, G replaced by A.
Protein change: p.Gly1101Glu; replaces glycine 1101 with glutamic acid.
Molecular consequence: missense variant.
Genome position (GRCh38, 1-based): chr2:227,293,282, G>A. VCF-style: chr2-227293282-G-A. GRCh37 (hg19) VCF-style: chr2-228157998-G-A.
Other names: p.(Gly1101Glu); short protein forms G1101E.
Identifiers: ClinVar variation 1065000 (VCV001065000.9), dbSNP rs560592940, ClinGen allele CA2147176.

ClinVar aggregate classification (germline): Conflicting classifications of pathogenicity. Review status: criteria provided, conflicting classifications (1 of 4 stars). 7 submissions from 7 submitters: Likely pathogenic (4); Uncertain significance (3). Last evaluated 2026-08-04.

Conditions:
Alport syndrome. Also called: Hemorrhagic familial nephritis; Hemorrhagic hereditary nephritis; Congenital hereditary hematuria. Identifiers: Orphanet 63, MedGen C1567741, MONDO:0018965.
Autosomal dominant Alport syndrome (ATS3A). Also called: ALPORT SYNDROME 3A, AUTOSOMAL DOMINANT; Alport syndrome dominant type; Renal failure and sensorineural hearing loss. Identifiers: Orphanet 63, Orphanet 88918, MedGen C5882663, MONDO:0007086, OMIM 104200.
Alport syndrome 3b, autosomal recessive. Identifiers: MedGen C5882699, MONDO:0957811, OMIM 620536.
Hematuria, benign familial, 2 (BFH2). Identifiers: MedGen C5830421, MONDO:0958186, OMIM 620320.
Hearing impairment. Also called: Impaired Hearing. Identifiers: MedGen C1384666, MONDO:0005365, HP:0000365.

Allele frequency attached by ClinVar (database versions not stated): 1000 Genomes Project 0.00040; 1000 Genomes Project 30x 0.00047; gnomAD exomes below 0.00001; gnomAD 0.00001; TOPMed 0.00001; ExAC 0.00002.
gnomAD v4.1: 4 of 1,613,814 alleles (0.00025%); highest among the groups gnomAD compares: Non-Finnish European, 0.00034%; no homozygotes.

Submissions (7):

Myriad Genetics, Inc.
Classification: Uncertain significance for Alport syndrome. Last evaluated: 2026-08-04. Review status: criteria provided, single submitter. Criteria: Myriad Autosomal Dominant, Autosomal Recessive and X-Linked Classification Criteria (2023). Collection method: clinical testing. Allele origin: unknown.
Comment: NM_000091.4(COL4A3):c.3302G>A(G1101E) is a missense variant classified as a variant of uncertain significance in the context of Alport syndrome, COL4A3-related. G1101E has been observed in a case with relevant disease (PMID: 33838161). Relevant functional assessments of this variant are not available in the literature. G1101E has not been observed in referenced population frequency databases. In summary, there is insufficient evidence to classify NM_000091.4(COL4A3):c.3302G>A(G1101E) as pathogenic or benign. Please note: this variant was assessed in the context of healthy population screening.

Centre de Génétique Humaine, Institut de Pathologie Et de Génétique
Classification: Likely pathogenic for Hematuria, benign familial, 2. Last evaluated: 2026-04-09. Review status: criteria provided, single submitter. Criteria: ACMG Guidelines, 2015. Collection method: clinical testing. Allele origin: maternal. Inheritance: Autosomal dominant inheritance. Affected: yes. Observed: 1 variant allele, 1 heterozygote. Segregation with disease observed.
Comment: This missense variant involves a highly conserved glycine located in a ‘Gly-X-Y’ motif in collagenous region, which is characteristic of the pathogenic variants identified in the COL4A3 gene (PM1,PP2). This variant is rare: allelic frequency of 0.00025% in gnomAD v4.1.0 database (PM2). In silico analysis supports that this missense variant has a deleterious effect (PP3).

Natera, Inc.
Classification: Likely pathogenic for Alport syndrome. Last evaluated: 2025-09-14. Review status: criteria provided, single submitter. Criteria: Natera Variant Classification Schema (03/2026). Collection method: clinical testing. Allele origin: germline.
Comment: The c.3302G>A variant in COL4A3 is a missense variant predicted to cause substitution of glycine to glutamic acid at amino acid 1101. This variant is rare in the general population with a frequency below the threshold expected for the associated phenotype(s). This variant is located in a functionally critical region of the protein. Computational prediction algorithms indicate this variant is likely to affect gene or protein function. Given the available evidence, this variant is classified as Likely Pathogenic.

Fulgent Genetics
Classification: Likely pathogenic for Autosomal dominant Alport syndrome; Hematuria, benign familial, 2; Alport syndrome 3b, autosomal recessive. Last evaluated: 2024-05-21. Review status: criteria provided, single submitter. Criteria: ACMG Guidelines, 2015. Collection method: clinical testing. Allele origin: germline.

Women's Health and Genetics/Laboratory Corporation of America, LabCorp
Classification: Uncertain significance. Last evaluated: 2024-05-21. Review status: criteria provided, single submitter. Criteria: LabCorp Variant Classification Summary - May 2015. Collection method: clinical testing. Allele origin: germline.
Comment: Variant summary: COL4A3 c.3302G>A (p.Gly1101Glu) results in a non-conservative amino acid change in the encoded protein sequence. Five of five in-silico tools predict a damaging effect of the variant on protein function. The variant was absent in 249358 control chromosomes. The available data on variant occurrences in the general population are insufficient to allow any conclusion about variant significance. c.3302G>A has been reported in the literature in an individual with clinical features of Alport Syndrome who also had a pathogenic variant in COL4A4 (c.4449_4450dup, p.(Met1484Thrf*69)), however, detailed segregation data was not provided and an inheritance pattern was not specified (Furlano_2021). This report does not provide unequivocal conclusions about association of the variant with autosomal dominant or autosomal recessive Alport Syndrome. To our knowledge, no experimental evidence demonstrating an impact on protein function has been reported. The following publication has been ascertained in the context of this evaluation (PMID: 33838161). ClinVar contains an entry for this variant (Variation ID: 1065000). Based on the evidence outlined above, the variant was classified as uncertain significance.

Department of Otolaryngology – Head & Neck Surgery, Cochlear Implant Center
Classification: Uncertain significance for Hearing impairment. Last evaluated: 2021-04-12. Review status: criteria provided, single submitter. Criteria: ClinGen HL ACMG Specifications v1. Collection method: clinical testing. Allele origin: germline. Affected: yes.
Comment: PM1_Moderate, PM2_Moderate, PP3_Supporting

Clinical Genetics Service, Universitary Hospital 12 de Octubre
Classification: Likely pathogenic for Autosomal dominant Alport syndrome. Review status: criteria provided, single submitter. Criteria: ACMG Guidelines, 2015. Collection method: clinical testing. Allele origin: germline. Affected: yes.

Literature cited by the submitters: PubMed 33838161 (cited by 3 submitters).